The following is an entry in ClinVar:

NM_001080517.3(SETD5):c.2353A>G (p.Ile785Val)

Gene: SETD5 (SET domain containing 5; plus strand). Cytogenetic location: 3p25.3.
Variant type: single nucleotide variant.
Coding change: c.2353A>G on transcript NM_001080517.3 (MANE Select); coding-DNA position 2353, A replaced by G.
Protein change: p.Ile785Val; replaces isoleucine 785 with valine.
Molecular consequence: missense variant.
Genome position (GRCh38, 1-based): chr3:9,453,745, A>G. VCF-style: chr3-9453745-A-G. GRCh37 (hg19) VCF-style: chr3-9495429-A-G.
Other names: c.2059A>G, p.Ile687Val (NM_001292043.2, NM_001349451.2); short protein forms I687V, I785V.
Identifiers: ClinVar variation 1968974 (VCV001968974.5), dbSNP rs1356455608, ClinGen allele CA351703247.

ClinVar aggregate classification (germline): Uncertain significance (1 of 4 stars; one submission).

Allele frequency attached by ClinVar (database versions not stated): gnomAD exomes below 0.00001; TOPMed below 0.00001; gnomAD 0.00001.
gnomAD v4.1: 4 of 1,593,318 alleles (0.00025%); highest among the groups gnomAD compares: Admixed American, 0.0019%; no homozygotes.

Submission:

Labcorp Genetics (formerly Invitae), Labcorp
Classification: Uncertain significance. Last evaluated: 2023-07-17. Review status: criteria provided, single submitter. Criteria: Invitae Variant Classification Sherloc (09022015). Collection method: clinical testing. Allele origin: germline.
Comment: In summary, the available evidence is currently insufficient to determine the role of this variant in disease. Therefore, it has been classified as a Variant of Uncertain Significance. Advanced modeling of protein sequence and biophysical properties (such as structural, functional, and spatial information, amino acid conservation, physicochemical variation, residue mobility, and thermodynamic stability) performed at Invitae indicates that this missense variant is not expected to disrupt SETD5 protein function. ClinVar contains an entry for this variant (Variation ID: 1968974). This variant has not been reported in the literature in individuals affected with SETD5-related conditions. This variant is not present in population databases (gnomAD no frequency). This sequence change replaces isoleucine, which is neutral and non-polar, with valine, which is neutral and non-polar, at codon 785 of the SETD5 protein (p.Ile785Val).